The following is an entry in ClinVar:

ClinVar aggregate classification (germline): Pathogenic/Likely pathogenic. Review status: criteria provided, multiple submitters, no conflicts (2 of 4 stars). 2 submissions from 2 submitters: Pathogenic (1); Likely pathogenic (1). Last evaluated 2023-03-09.

Conditions:
Hereditary cancer-predisposing syndrome. Also called: Tumor predisposition; Hereditary Cancer Syndrome; Neoplastic Syndromes, Hereditary; Hereditary neoplastic syndrome. Identifiers: Orphanet 140162, MedGen C0027672, MeSH D009386, MONDO:0015356.

Submissions (2):

Quest Diagnostics Nichols Institute San Juan Capistrano
Classification: Likely pathogenic. Last evaluated: 2023-03-09. Review status: criteria provided, single submitter. Criteria: Quest Diagnostics criteria. Collection method: clinical testing. Allele origin: unknown.
Comment: This nonsense variant is predicted to cause the premature termination of MSH6 protein synthesis. The variant has not been reported in individuals with MSH6-related diseases in the published literature. It also has not been reported in large, multi-ethnic general populations. Based on the available information, this variant is classified as likely pathogenic.

Ambry Genetics
Classification: Pathogenic for Hereditary cancer-predisposing syndrome. Last evaluated: 2019-04-16. Review status: criteria provided, single submitter. Criteria: Ambry Variant Classification Scheme 2023. Collection method: clinical testing. Allele origin: germline.
Comment: The p.K1042* pathogenic mutation (also known as c.3124A>T), located in coding exon 4 of the MSH6 gene, results from an A to T substitution at nucleotide position 3124. This changes the amino acid from a lysine to a stop codon within coding exon 4. This alteration is expected to result in loss of function by premature protein truncation or nonsense-mediated mRNA decay. As such, this alteration is interpreted as a disease-causing mutation.

NM_000179.3(MSH6):c.3124A>T (p.Lys1042Ter)

Gene: MSH6 (mutS homolog 6; plus strand). Cytogenetic location: 2p16.3.
Variant type: single nucleotide variant.
Coding change: c.3124A>T on transcript NM_000179.3 (MANE Select); coding-DNA position 3124, A replaced by T.
Protein change: p.Lys1042Ter; replaces lysine 1042 with a stop codon.
Molecular consequence: nonsense.
Genome position (GRCh38, 1-based): chr2:47,801,107, A>T. VCF-style: chr2-47801107-A-T. GRCh37 (hg19) VCF-style: chr2-48028246-A-T.
Other names: c.2734A>T, p.Lys912Ter (NM_001281492.2); c.2218A>T, p.Lys740Ter (NM_001281493.2, NM_001281494.2); short protein forms K740*, K1042*, K912*.
Identifiers: ClinVar variation 822953 (VCV000822953.5), dbSNP rs1572730270, ClinGen allele CA346756646.